The following is an entry in ClinVar:

ClinVar aggregate classification (germline): Uncertain significance (1 of 4 stars; one submission).

Submission:

Ambry Genetics
Classification: Uncertain significance. Last evaluated: 2023-05-27. Review status: criteria provided, single submitter. Criteria: Ambry Variant Classification Scheme 2023. Collection method: clinical testing. Allele origin: germline.
Comment: The p.M677I variant (also known as c.2031G>A), located in coding exon 13 of the RINT1 gene, results from a G to A substitution at nucleotide position 2031. The methionine at codon 677 is replaced by isoleucine, an amino acid with highly similar properties. This amino acid position is conserved. In addition, this alteration is predicted to be tolerated by in silico analysis. Since supporting evidence is limited at this time, the clinical significance of this alteration remains unclear.

NM_021930.6(RINT1):c.2031G>A (p.Met677Ile)

Genes: EFCAB10 (EF-hand calcium binding domain 10; minus strand), RINT1 (RAD50 interactor 1; plus strand). Cytogenetic location: 7q22.3.
Variant type: single nucleotide variant.
Coding change: c.2031G>A on transcript NM_021930.6 (MANE Select); coding-DNA position 2031, G replaced by A.
Protein change: p.Met677Ile; replaces methionine 677 with isoleucine.
Molecular consequence: missense variant. On other transcripts: 3 prime UTR variant (2), non-coding transcript variant (1).
Genome position (GRCh38, 1-based): chr7:105,565,421, G>A. VCF-style: chr7-105565421-G-A. GRCh37 (hg19) VCF-style: chr7-105205868-G-A.
Other names: c.*26C>T (NM_001355526.2); c.*128C>T (NM_001355530.2); c.386C>T, p.Ala129Val (NM_001355531.2); c.1797G>A, p.Met599Ile (NM_001346599.2); c.1008G>A, p.Met336Ile (NM_001346600.2, NM_001346603.2); c.1107G>A, p.Met369Ile (NM_001346601.2); short protein forms A129V, M677I, M336I, M369I, M599I.
Identifiers: ClinVar variation 2561623 (VCV002561623.2), dbSNP rs2485184630, ClinGen allele CA368814939.